The following is an entry in ClinVar:

NM_002838.5(PTPRC):c.132A>G (p.Pro44=)

Gene: PTPRC (protein tyrosine phosphatase receptor type C; plus strand). Cytogenetic location: 1q31.3.
Variant type: single nucleotide variant.
Coding change: c.132A>G on transcript NM_002838.5 (MANE Select); coding-DNA position 132, A replaced by G.
Protein change: p.Pro44=; no amino-acid change (proline 44 retained).
Molecular consequence: synonymous variant. On other transcripts: intron variant (1).
Genome position (GRCh38, 1-based): chr1:198,696,743, A>G. VCF-style: chr1-198696743-A-G. GRCh37 (hg19) VCF-style: chr1-198665872-A-G.
Other names: c.100+4370A>G (NM_080921.4).
Identifiers: ClinVar variation 391024 (VCV000391024.19), dbSNP rs115797104, ClinGen allele CA1314414.
Genomic context (GRCh38, chr1:198,696,743, plus strand): 5'-TCCTTCTCCCATTTTCCATTAATTAACAGGATTGACTACAGCAAAGATGCCCAGTGTTCC[A>G]CTTTCAAGTGACCCCTTACCTACTCACACCACTGCATTCTCACCCGCAAGCACCTTTGAA-3'
Protein context (NP_002829.3, residues 34-54): GLTTAKMPSV[Pro44=]LSSDPLPTHT

ClinVar aggregate classification (germline): Benign/Likely benign. Review status: criteria provided, multiple submitters, no conflicts (2 of 4 stars). 7 submissions from 7 submitters: Benign (1); Likely benign (5). 1 of the submissions does not count toward it. Last evaluated 2026-05-01.

Conditions:
Immunodeficiency 104. Also called: IMMUNODEFICIENCY 104, SEVERE COMBINED; Severe combined immunodeficiency, autosomal recessive, T cell-negative, B cell-positive, NK cell-positive; Severe Combined Immune Deficiency, Autosomal Recessive, TCell -Negative, B Cell-Positive, NK Cell-Positive, IL7R-Related; SCID, AUTOSOMAL RECESSIVE, T CELL-NEGATIVE, B CELL-POSITIVE, NK CELL-POSITIVE. Identifiers: MedGen C5676890, MONDO:0012163, OMIM 608971.
PTPRC-related disorder. Also called: PTPRC-related condition.

Allele frequency attached by ClinVar (database versions not stated): gnomAD exomes 0.00026 and 0.00074; ExAC 0.00090; 1000 Genomes Project 30x 0.00250; 1000 Genomes Project 0.00260; gnomAD 0.00301 and 0.00327; TOPMed 0.00338; ESP Exome Variant Server 0.00377.
gnomAD v4.1: 850 of 1,614,062 alleles (0.053%); highest among the groups gnomAD compares: African/African-American, 1%; 4 homozygotes.

Submissions (7):

CeGaT Center for Human Genetics Tuebingen
Classification: Likely benign. Last evaluated: 2026-05-01. Review status: criteria provided, single submitter. Criteria: CeGaT Center For Human Genetics Tuebingen Variant Classification Criteria Version 2. Collection method: clinical testing. Allele origin: germline. Affected: yes. Observed: 1 variant allele.
Comment: PTPRC: BP4, BP7, BS1

Women's Health and Genetics/Laboratory Corporation of America, LabCorp
Classification: Likely benign. Last evaluated: 2026-04-15. Review status: criteria provided, single submitter. Criteria: LabCorp Variant Classification Summary - May 2015. Collection method: clinical testing. Allele origin: germline.

Labcorp Genetics (formerly Invitae), Labcorp
Classification: Benign for Immunodeficiency 104. Last evaluated: 2026-01-28. Review status: criteria provided, single submitter. Criteria: Invitae Variant Classification Sherloc (09022015). Collection method: clinical testing. Allele origin: germline.

Blueprint Genetics
Classification: Likely benign. Last evaluated: 2024-11-25. Review status: criteria provided, single submitter. Criteria: ACMG Guidelines, 2015. Collection method: clinical testing. Allele origin: germline.

GeneDx
Classification: Likely benign. Last evaluated: 2016-11-16. Review status: criteria provided, single submitter. Criteria: GeneDx Variant Classification (06012015). Collection method: clinical testing. Allele origin: germline. Affected: yes.
Comment: This variant is considered likely benign or benign based on one or more of the following criteria: it is a conservative change, it occurs at a poorly conserved position in the protein, it is predicted to be benign by multiple in silico algorithms, and/or has population frequency not consistent with disease.

Breakthrough Genomics
Classification: Likely benign. Review status: criteria provided, single submitter. Criteria: ACMG Guidelines, 2015. Collection method: not provided. Allele origin: germline. Inheritance: Autosomal recessive inheritance. Affected: yes.

PreventionGenetics, part of Exact Sciences
Classification: Likely benign for PTPRC-related condition. Last evaluated: 2024-03-20. Review status: no assertion criteria provided. Collection method: clinical testing. Allele origin: germline. Not counted in ClinVar's aggregate classification.
Comment: This variant is classified as likely benign based on ACMG/AMP sequence variant interpretation guidelines (Richards et al. 2015 PMID: 25741868, with internal and published modifications).